The following is an entry in ClinVar:

NM_014687.4(RUBCN):c.237G>T (p.Thr79=)

Gene: RUBCN (rubicon autophagy regulator; minus strand). Cytogenetic location: 3q29.
Variant type: single nucleotide variant.
Coding change: c.237G>T on transcript NM_014687.4 (MANE Select); coding-DNA position 237, G replaced by T.
Protein change: p.Thr79=; no amino-acid change (threonine 79 retained).
Molecular consequence: synonymous variant.
Genome position (GRCh38, 1-based): chr3:197,705,158, C>A on the plus strand (G>T on the coding strand, the complement: RUBCN is on the minus strand). VCF-style: chr3-197705158-C-A. GRCh37 (hg19) VCF-style: chr3-197432029-C-A.
Other names: p.Thr19=; c.57G>T, p.Thr19= (NM_001145642.5); c.237G>T, p.Thr79= (NM_001346873.2); c.57G>T (NM_001145642.4).
Identifiers: ClinVar variation 129381 (VCV000129381.9), dbSNP rs60457064, ClinGen allele CA153342.
Genomic context (GRCh38, chr3:197,705,158, plus strand): 5'-CACGTGAAGGGCTGAGTGGGGACTGAGCCACCGGATGTCTTTCACGAACTGCCAGTAATC[C>A]GTCTGGCGGCGGCACGCCTGCAAAGGGAACACATACAATGAGCAAATCACGACCATTCTG-3'
Protein context (NP_055502.1, residues 69-89): LIRDQACRRQ[Thr79=]DYWQFVKDIR

ClinVar aggregate classification (germline): Benign/Likely benign. Review status: criteria provided, multiple submitters, no conflicts (2 of 4 stars). 4 submissions from 4 submitters: Benign (2); Likely benign (1). 1 of the submissions does not count toward it. Last evaluated 2024-11-26.

Allele frequency attached by ClinVar (database versions not stated): 1000 Genomes Project 0.15335; gnomAD 0.15686 and 0.16343; 1000 Genomes Project 30x 0.16131; ESP Exome Variant Server 0.16492; TOPMed 0.16814.

Submissions (4):

Blueprint Genetics
Classification: Likely benign. Last evaluated: 2024-11-26. Review status: criteria provided, single submitter. Criteria: ACMG Guidelines, 2015. Collection method: clinical testing. Allele origin: germline.

Mayo Clinic Laboratories, Mayo Clinic
Classification: Benign. Last evaluated: 2022-03-24. Review status: criteria provided, single submitter. Criteria: ACMG Guidelines, 2015. Collection method: clinical testing. Allele origin: germline. Observed: 94 variant alleles.

Breakthrough Genomics
Classification: Benign. Review status: criteria provided, single submitter. Criteria: ACMG Guidelines, 2015. Collection method: not provided. Allele origin: germline. Inheritance: Autosomal recessive inheritance. Affected: yes.

Genetic Services Laboratory, University of Chicago
Classification: Likely benign for AllHighlyPenetrant. Review status: no assertion criteria provided. Collection method: clinical testing. Allele origin: germline. Inheritance: Autosomal recessive inheritance. Not counted in ClinVar's aggregate classification.
Comment: Likely benign based on allele frequency in 1000 Genomes Project or ESP global frequency and its presence in a patient with a rare or unrelated disease phenotype. NOT Sanger confirmed.